The following is an entry in ClinVar:

ClinVar aggregate classification (germline): Benign/Likely benign. Review status: criteria provided, multiple submitters, no conflicts (2 of 4 stars). 3 submissions from 3 submitters: Benign (1); Likely benign (2). Last evaluated 2026-07-01.

Allele frequency attached by ClinVar (database versions not stated): ESP Exome Variant Server 0.00016; 1000 Genomes Project 0.00040; TOPMed 0.00064; ExAC 0.00072; 1000 Genomes Project 30x 0.00078.

Submissions (3):

CeGaT Center for Human Genetics Tuebingen
Classification: Likely benign. Last evaluated: 2026-07-01. Review status: criteria provided, single submitter. Criteria: CeGaT Center For Human Genetics Tuebingen Variant Classification Criteria Version 2. Collection method: clinical testing. Allele origin: germline. Affected: yes. Observed: 3 variant alleles.
Comment: ABCA2: BP4, BP7

Blueprint Genetics
Classification: Likely benign. Last evaluated: 2024-11-14. Review status: criteria provided, single submitter. Criteria: ACMG Guidelines, 2015. Collection method: clinical testing. Allele origin: germline.

Labcorp Genetics (formerly Invitae), Labcorp
Classification: Benign. Last evaluated: 2018-03-30. Review status: criteria provided, single submitter. Criteria: Invitae Variant Classification Sherloc (09022015). Collection method: clinical testing. Allele origin: germline.

NM_001606.5(ABCA2):c.5949G>T (p.Pro1983=)

Genes: ABCA2 (ATP binding cassette subfamily A member 2; minus strand), LOC126860796 (CDK7 strongly-dependent group 2 enhancer GRCh37_chr9:139904888-139906087; plus strand). Cytogenetic location: 9q34.3.
Variant type: single nucleotide variant.
Coding change: c.5949G>T on transcript NM_001606.5 (MANE Select); coding-DNA position 5949, G replaced by T.
Protein change: p.Pro1983=; no amino-acid change (proline 1983 retained).
Molecular consequence: synonymous variant.
Genome position (GRCh38, 1-based): chr9:137,011,080, C>A on the plus strand (G>T on the coding strand, the complement: ABCA2 is on the minus strand). VCF-style: chr9-137011080-C-A. GRCh37 (hg19) VCF-style: chr9-139905532-C-A.
Other names: c.6039G>T, p.Pro2013= (NM_212533.3).
Identifiers: ClinVar variation 737983 (VCV000737983.8), dbSNP rs200252232, ClinGen allele CA5353804.